The following is an entry in ClinVar:

NM_000038.6(APC):c.3154C>T (p.Pro1052Ser)

Gene: APC (APC regulator of Wnt signaling pathway; plus strand). Cytogenetic location: 5q22.2.
Variant type: single nucleotide variant.
Coding change: c.3154C>T on transcript NM_000038.6 (MANE Select); coding-DNA position 3154, C replaced by T.
Protein change: p.Pro1052Ser; replaces proline 1052 with serine.
Molecular consequence: missense variant. On other transcripts: non-coding transcript variant (2).
Genome position (GRCh38, 1-based): chr5:112,838,748, C>T. VCF-style: chr5-112838748-C-T. GRCh37 (hg19) VCF-style: chr5-112174445-C-T.
Other names: c.3100C>T, p.Pro1034Ser (NM_001127511.3); c.3154C>T, p.Pro1052Ser (NM_001354895.2, NM_001407450.1, NM_001127510.3); c.3208C>T, p.Pro1070Ser (NM_001354896.2, NM_001407447.1, NM_001407448.1 and 1 more transcripts); c.3184C>T, p.Pro1062Ser (NM_001354897.2); c.3079C>T, p.Pro1027Ser (NM_001354898.2); c.3070C>T, p.Pro1024Ser (NM_001354899.2); c.3031C>T, p.Pro1011Ser (NM_001354900.2); c.2977C>T, p.Pro993Ser (NM_001354901.2, NM_001407453.1); and 11 more; short protein forms P1011S, P1024S, P1027S, P1034S, P1042S, P1045S, P1052S, P1062S.
Identifiers: ClinVar variation 4860668 (VCV004860668.1).

ClinVar aggregate classification (germline): Uncertain significance (1 of 4 stars; one submission).

Conditions:
Hereditary cancer-predisposing syndrome. Also called: Neoplastic Syndromes, Hereditary; Tumor predisposition; Hereditary Cancer Syndrome; Hereditary neoplastic syndrome. Identifiers: Orphanet 140162, MedGen C0027672, MeSH D009386, MONDO:0015356.

gnomAD v4.1: 1 of 1,614,078 alleles (0.000062%); highest among the groups gnomAD compares: East Asian, 0.0022%; no homozygotes.

Submission:

Ambry Genetics
Classification: Uncertain significance for Hereditary cancer-predisposing syndrome. Last evaluated: 2026-05-14. Review status: criteria provided, single submitter. Criteria: Ambry Variant Classification Scheme 2023. Collection method: clinical testing. Allele origin: germline.
Comment: The p.P1052S variant (also known as c.3154C>T), located in coding exon 15 of the APC gene, results from a C to T substitution at nucleotide position 3154. The proline at codon 1052 is replaced by serine, an amino acid with similar properties. This amino acid position is well conserved in available vertebrate species. Missense variants in APC are not a common cause of disease (Spier I et al. Genet Med. 2024 Feb;26(2):100992). Based on the available evidence, the clinical significance of this variant remains unclear.